The following is an entry in ClinVar:

ClinVar aggregate classification (germline): Uncertain significance (1 of 4 stars; one submission).

Allele frequency attached by ClinVar (database versions not stated): gnomAD 0.00002 and 0.00003; TOPMed 0.00002; gnomAD exomes 0.00003 and 0.00005; ExAC 0.00005.
gnomAD v4.1: 49 of 1,613,758 alleles (0.003%); highest among the groups gnomAD compares: South Asian, 0.032%; no homozygotes.

Submission:

GeneDx
Classification: Uncertain significance. Last evaluated: 2021-04-16. Review status: criteria provided, single submitter. Criteria: GeneDx Variant Classification Process June 2021. Collection method: clinical testing. Allele origin: germline. Affected: yes.
Comment: Has not been previously published as pathogenic or benign to our knowledge; In silico analysis supports that this missense variant has a deleterious effect on protein structure/function

NM_001164508.2(NEB):c.9539C>T (p.Pro3180Leu)

Gene: NEB (nebulin; minus strand). Cytogenetic location: 2q23.3.
Variant type: single nucleotide variant.
Coding change: c.9539C>T on transcript NM_001164508.2 (MANE Select); coding-DNA position 9539, C replaced by T.
Protein change: p.Pro3180Leu; replaces proline 3180 with leucine.
Molecular consequence: missense variant. On other transcripts: intron variant (1).
Genome position (GRCh38, 1-based): chr2:151,631,222, G>A on the plus strand (C>T on the coding strand, the complement: NEB is on the minus strand). VCF-style: chr2-151631222-G-A. GRCh37 (hg19) VCF-style: chr2-152487736-G-A.
Other names: c.9539C>T, p.Pro3180Leu (NM_001164507.2, NM_001271208.2); c.8854-44C>T (NM_004543.5); short protein forms P3180L.
Identifiers: ClinVar variation 1327363 (VCV001327363.2), dbSNP rs764372069, ClinGen allele CA1909288.